The following is an entry in ClinVar:

NM_198904.4(GABRG2):c.1273T>G (p.Phe425Val)

Gene: GABRG2 (gamma-aminobutyric acid type A receptor subunit gamma2; plus strand). Cytogenetic location: 5q34.
Variant type: single nucleotide variant.
Coding change: c.1273T>G on transcript NM_198904.4 (MANE Select); coding-DNA position 1273, T replaced by G.
Protein change: p.Phe425Val; replaces phenylalanine 425 with valine.
Molecular consequence: missense variant. On other transcripts: 3 prime UTR variant (1).
Genome position (GRCh38, 1-based): chr5:162,153,213, T>G. VCF-style: chr5-162153213-T-G. GRCh37 (hg19) VCF-style: chr5-161580219-T-G.
Other names: c.1249T>G, p.Phe417Val (NM_000816.3); c.1264T>G, p.Phe422Val (NM_001375339.1); c.*107T>G (NM_001375340.1); c.1270T>G, p.Phe424Val (NM_001375341.1); c.1246T>G, p.Phe416Val (NM_001375342.1); c.1369T>G, p.Phe457Val (NM_001375343.1); c.1312T>G, p.Phe438Val (NM_001375344.1); c.1183T>G, p.Phe395Val (NM_001375345.1); and 6 more; short protein forms F277V, F322V, F396V, F403V, F417V, F424V, F465V, F285V.
Identifiers: ClinVar variation 1420858 (VCV001420858.8), dbSNP rs780991820, ClinGen allele CA3544985.

ClinVar aggregate classification (germline): Uncertain significance (1 of 4 stars; one submission).

Conditions:
Febrile seizures, familial, 8 (FEB8). Also called: CONVULSIONS, FAMILIAL FEBRILE, 8. Identifiers: Orphanet 36387, MedGen C1969810, MONDO:0011891, OMIM 607681.
EPILEPSY, CHILDHOOD ABSENCE, SUSCEPTIBILITY TO, 2 (ECA2). Identifiers: Orphanet 64280, MedGen C1843244, OMIM 607681.

Allele frequency attached by ClinVar (database versions not stated): ExAC 0.00001; gnomAD 0.00001.

Submission:

Labcorp Genetics (formerly Invitae), Labcorp
Classification: Uncertain significance for Febrile seizures, familial, 8; EPILEPSY, CHILDHOOD ABSENCE, SUSCEPTIBILITY TO, 2. Last evaluated: 2023-09-20. Review status: criteria provided, single submitter. Criteria: Invitae Variant Classification Sherloc (09022015). Collection method: clinical testing. Allele origin: germline.
Comment: Advanced modeling of protein sequence and biophysical properties (such as structural, functional, and spatial information, amino acid conservation, physicochemical variation, residue mobility, and thermodynamic stability) performed at Invitae indicates that this missense variant is expected to disrupt GABRG2 protein function. ClinVar contains an entry for this variant (Variation ID: 1420858). This variant has not been reported in the literature in individuals affected with GABRG2-related conditions. This variant is present in population databases (rs780991820, gnomAD 0.0008%). This sequence change replaces phenylalanine, which is neutral and non-polar, with valine, which is neutral and non-polar, at codon 417 of the GABRG2 protein (p.Phe417Val). In summary, the available evidence is currently insufficient to determine the role of this variant in disease. Therefore, it has been classified as a Variant of Uncertain Significance.